The following is an entry in ClinVar:

ClinVar aggregate classification (germline): Uncertain significance (1 of 4 stars; one submission).

Conditions:
Neurofibromatosis, type 1 (NF1). Also called: VON RECKLINGHAUSEN DISEASE; Neurofibromatosis, type I; NEUROFIBROMATOSIS, TYPE I, SOMATIC; Peripheral type neurofibromatosis. Identifiers: Orphanet 636, MedGen C0027831, MONDO:0018975, OMIM 162200. Disease mechanism: loss of function.

Submission:

Labcorp Genetics (formerly Invitae), Labcorp
Classification: Uncertain significance for Neurofibromatosis, type 1. Last evaluated: 2021-05-27. Review status: criteria provided, single submitter. Criteria: Invitae Variant Classification Sherloc (09022015). Collection method: clinical testing. Allele origin: germline.
Comment: In summary, the available evidence is currently insufficient to determine the role of this variant in disease. Therefore, it has been classified as a Variant of Uncertain Significance. Algorithms developed to predict the effect of sequence changes on RNA splicing suggest that this variant may create or strengthen a splice site, but this prediction has not been confirmed by published transcriptional studies. Algorithms developed to predict the effect of missense changes on protein structure and function are either unavailable or do not agree on the potential impact of this missense change (SIFT: "Tolerated"; PolyPhen-2: "Probably Damaging"; Align-GVGD: "Class C0"). This variant has not been reported in the literature in individuals with NF1-related conditions. This variant is not present in population databases (ExAC no frequency). This sequence change replaces asparagine with lysine at codon 1492 of the NF1 protein (p.Asn1492Lys). The asparagine residue is moderately conserved and there is a moderate physicochemical difference between asparagine and lysine.

NM_001042492.3(NF1):c.4539C>G (p.Asn1513Lys)

Gene: NF1 (neurofibromin 1; plus strand). Cytogenetic location: 17q11.2.
Variant type: single nucleotide variant.
Coding change: c.4539C>G on transcript NM_001042492.3 (MANE Select); coding-DNA position 4539, C replaced by G.
Protein change: p.Asn1513Lys; replaces asparagine 1513 with lysine.
Molecular consequence: missense variant.
Genome position (GRCh38, 1-based): chr17:31,260,477, C>G. VCF-style: chr17-31260477-C-G. GRCh37 (hg19) VCF-style: chr17-29587495-C-G.
Other names: c.4476C>G, p.Asn1492Lys (NM_000267.4); short protein forms N1513K, N1492K.
Identifiers: ClinVar variation 1397585 (VCV001397585.8), dbSNP rs2067665418, ClinGen allele CA398999761.